The following is an entry in ClinVar:

NM_022828.5(YTHDC2):c.*1C>T

Gene: YTHDC2 (YTH N6-methyladenosine RNA binding protein C2; plus strand). Cytogenetic location: 5q22.2.
Variant type: single nucleotide variant.
Coding change: c.*1C>T on transcript NM_022828.5 (MANE Select); 1 bases downstream of the stop codon, C replaced by T.
Molecular consequence: 3 prime UTR variant.
Genome position (GRCh38, 1-based): chr5:113,593,384, C>T. VCF-style: chr5-113593384-C-T. GRCh37 (hg19) VCF-style: chr5-112929081-C-T.
Other names: c.*1C>T (NM_001345975.2, NM_001345976.2).
Identifiers: ClinVar variation 3034726 (VCV003034726.2), dbSNP rs138392928, ClinGen allele CA3372714.

ClinVar aggregate classification (germline): Likely benign (0 of 4 stars; one submission).

Conditions:
YTHDC2-related disorder. Also called: YTHDC2-related condition.

Allele frequency attached by ClinVar (database versions not stated): 1000 Genomes Project 0.00040; ExAC 0.00061; 1000 Genomes Project 30x 0.00062; gnomAD 0.00074; TOPMed 0.00083; gnomAD exomes 0.00154; ESP Exome Variant Server 0.00169.
gnomAD v4.1: 2,364 of 1,610,720 alleles (0.15%); highest among the groups gnomAD compares: Non-Finnish European, 0.19%; 4 homozygotes.

Submission:

PreventionGenetics, part of Exact Sciences
Classification: Likely benign for YTHDC2-related condition. Last evaluated: 2019-07-30. Review status: no assertion criteria provided. Collection method: clinical testing. Allele origin: germline.
Comment: This variant is classified as likely benign based on ACMG/AMP sequence variant interpretation guidelines (Richards et al. 2015 PMID: 25741868, with internal and published modifications).